The following is an entry in ClinVar:

ClinVar aggregate classification (germline): Uncertain significance (1 of 4 stars; one submission).

Conditions:
Charcot-Marie-Tooth disease type 2. Also called: Charcot-Marie-Tooth type 2. Identifiers: Orphanet 64746, MedGen C0270914, MONDO:0018993.

gnomAD v4.1: 1 of 1,613,964 alleles (0.000062%); no homozygotes.

Submission:

Labcorp Genetics (formerly Invitae), Labcorp
Classification: Uncertain significance for Charcot-Marie-Tooth disease type 2. Last evaluated: 2024-10-06. Review status: criteria provided, single submitter. Criteria: Invitae Variant Classification Sherloc (09022015). Collection method: clinical testing. Allele origin: germline.
Comment: This sequence change replaces threonine, which is neutral and polar, with isoleucine, which is neutral and non-polar, at codon 184 of the GARS protein (p.Thr184Ile). This variant is not present in population databases (gnomAD no frequency). This variant has not been reported in the literature in individuals affected with GARS-related conditions. Invitae Evidence Modeling of protein sequence and biophysical properties (such as structural, functional, and spatial information, amino acid conservation, physicochemical variation, residue mobility, and thermodynamic stability) indicates that this missense variant is expected to disrupt GARS protein function with a positive predictive value of 80%. In summary, the available evidence is currently insufficient to determine the role of this variant in disease. Therefore, it has been classified as a Variant of Uncertain Significance.

NM_002047.4(GARS1):c.551C>T (p.Thr184Ile)

Gene: GARS1 (glycyl-tRNA synthetase 1; plus strand). Cytogenetic location: 7p14.3.
Variant type: single nucleotide variant.
Coding change: c.551C>T on transcript NM_002047.4 (MANE Select); coding-DNA position 551, C replaced by T.
Protein change: p.Thr184Ile; replaces threonine 184 with isoleucine.
Molecular consequence: missense variant.
Genome position (GRCh38, 1-based): chr7:30,601,182, C>T. VCF-style: chr7-30601182-C-T. GRCh37 (hg19) VCF-style: chr7-30640798-C-T.
Other names: c.389C>T, p.Thr130Ile (NM_001316772.1); short protein forms T130I, T184I.
Identifiers: ClinVar variation 3617681 (VCV003617681.2).